The following is an entry in ClinVar:

ClinVar aggregate classification (germline): Uncertain significance (1 of 4 stars; one submission).

Conditions:
Familial cold autoinflammatory syndrome 2 (FCAS2). Identifiers: Orphanet 247868, MedGen C2673198, MONDO:0012724, OMIM 611762.

Submission:

Labcorp Genetics (formerly Invitae), Labcorp
Classification: Uncertain significance for Familial cold autoinflammatory syndrome 2. Last evaluated: 2024-04-07. Review status: criteria provided, single submitter. Criteria: Invitae Variant Classification Sherloc (09022015). Collection method: clinical testing. Allele origin: germline.
Comment: This sequence change replaces aspartic acid, which is acidic and polar, with glutamic acid, which is acidic and polar, at codon 487 of the NLRP12 protein (p.Asp487Glu). This variant is not present in population databases (gnomAD no frequency). This variant has not been reported in the literature in individuals affected with NLRP12-related conditions. Advanced modeling of protein sequence and biophysical properties (such as structural, functional, and spatial information, amino acid conservation, physicochemical variation, residue mobility, and thermodynamic stability) performed at Invitae indicates that this missense variant is not expected to disrupt NLRP12 protein function with a negative predictive value of 80%. In summary, the available evidence is currently insufficient to determine the role of this variant in disease. Therefore, it has been classified as a Variant of Uncertain Significance.

NM_144687.4(NLRP12):c.1461C>A (p.Asp487Glu)

Gene: NLRP12 (NLR family pyrin domain containing 12; minus strand). Cytogenetic location: 19q13.42.
Variant type: single nucleotide variant.
Coding change: c.1461C>A on transcript NM_144687.4 (MANE Select); coding-DNA position 1461, C replaced by A.
Protein change: p.Asp487Glu; replaces aspartic acid 487 with glutamic acid.
Molecular consequence: missense variant.
Genome position (GRCh38, 1-based): chr19:53,810,198, G>T on the plus strand (C>A on the coding strand, the complement: NLRP12 is on the minus strand). VCF-style: chr19-53810198-G-T. GRCh37 (hg19) VCF-style: chr19-54313452-G-T.
Other names: c.1461C>A, p.Asp487Glu (NM_001277126.2, NM_001277129.1); short protein forms D487E.
Identifiers: ClinVar variation 3699757 (VCV003699757.2).